The following is an entry in ClinVar:

NM_002317.7(LOX):c.181G>C (p.Gly61Arg)

Genes: LOX (lysyl oxidase; minus strand), SRFBP1 (serum response factor binding protein 1; plus strand). Cytogenetic location: 5q23.1.
Variant type: single nucleotide variant.
Coding change: c.181G>C on transcript NM_002317.7 (MANE Select); coding-DNA position 181, G replaced by C.
Protein change: p.Gly61Arg; replaces glycine 61 with arginine.
Molecular consequence: missense variant.
Genome position (GRCh38, 1-based): chr5:122,077,805, C>G on the plus strand (G>C on the coding strand, the complement: LOX is on the minus strand). VCF-style: chr5-122077805-C-G. GRCh37 (hg19) VCF-style: chr5-121413500-C-G.
Other names: c.181G>C (NM_002317.5); short protein forms G61R.
Identifiers: ClinVar variation 2984327 (VCV002984327.5), dbSNP rs1030269580, ClinGen allele CA125917525.
Genomic context (GRCh38, chr5:122,077,805, plus strand): 5'-TGGCTGCACCAGGGACGGCGGCGCCCGGGTCCCGGCGGCGCTGAGGCTGGTACTGTGAGC[C>G]CAGGCTCAGCAAGCTGAACACCTGCCCGTTGTTCTCCCATTGGATCTGCTGGCGCCAGGC-3'
Protein context (NP_002308.2, residues 51-71): NGQVFSLLSL[Gly61Arg]SQYQPQRRRD

ClinVar aggregate classification (germline): Uncertain significance. Review status: criteria provided, multiple submitters, no conflicts (2 of 4 stars). 3 submissions from 3 submitters: Uncertain significance (3). Last evaluated 2025-05-07.

Conditions:
Cardiovascular phenotype. Identifiers: MedGen CN230736.

Allele frequency attached by ClinVar (database versions not stated): gnomAD exomes below 0.00001; gnomAD 0.00002; TOPMed 0.00002.
gnomAD v4.1: 9 of 1,549,686 alleles (0.00058%); highest among the groups gnomAD compares: Non-Finnish European, 0.00078%; no homozygotes.

Submissions (3):

Labcorp Genetics (formerly Invitae), Labcorp
Classification: Uncertain significance. Last evaluated: 2025-05-07. Review status: criteria provided, single submitter. Criteria: Invitae Variant Classification Sherloc (09022015). Collection method: clinical testing. Allele origin: germline.
Comment: This sequence change replaces glycine, which is neutral and non-polar, with arginine, which is basic and polar, at codon 61 of the LOX protein (p.Gly61Arg). This variant is present in population databases (no rsID available, gnomAD 0.007%). This variant has not been reported in the literature in individuals affected with LOX-related conditions. ClinVar contains an entry for this variant (Variation ID: 2984327). Invitae Evidence Modeling of protein sequence and biophysical properties (such as structural, functional, and spatial information, amino acid conservation, physicochemical variation, residue mobility, and thermodynamic stability) has been performed for this missense variant. However, the output from this modeling did not meet the statistical confidence thresholds required to predict the impact of this variant on LOX protein function. In summary, the available evidence is currently insufficient to determine the role of this variant in disease. Therefore, it has been classified as a Variant of Uncertain Significance.

Ambry Genetics
Classification: Uncertain significance for Cardiovascular phenotype. Last evaluated: 2024-04-15. Review status: criteria provided, single submitter. Criteria: Ambry Variant Classification Scheme 2023. Collection method: clinical testing. Allele origin: germline.
Comment: The p.G61R variant (also known as c.181G>C), located in coding exon 1 of the LOX gene, results from a G to C substitution at nucleotide position 181. The glycine at codon 61 is replaced by arginine, an amino acid with dissimilar properties. This amino acid position is highly conserved in available vertebrate species. In addition, the in silico prediction for this alteration is inconclusive. Based on the available evidence, the clinical significance of this variant remains unclear.

Blueprint Genetics
Classification: Uncertain significance. Last evaluated: 2023-05-23. Review status: criteria provided, single submitter. Criteria: ACMG Guidelines, 2015. Collection method: clinical testing. Allele origin: germline.